The following is an entry in ClinVar:

NM_001374736.1(DST):c.17740A>G (p.Ile5914Val)

Gene: DST (dystonin; minus strand). Cytogenetic location: 6p12.1.
Variant type: single nucleotide variant.
Coding change: c.17740A>G on transcript NM_001374736.1 (MANE Select); coding-DNA position 17740, A replaced by G.
Protein change: p.Ile5914Val; replaces isoleucine 5914 with valine.
Molecular consequence: missense variant.
Genome position (GRCh38, 1-based): chr6:56,527,675, T>C on the plus strand (A>G on the coding strand, the complement: DST is on the minus strand). VCF-style: chr6-56527675-T-C. GRCh37 (hg19) VCF-style: chr6-56392473-T-C.
Other names: c.11383A>G, p.Ile3795Val (NM_001144769.5); c.10969A>G, p.Ile3657Val (NM_001144770.2); c.17740A>G, p.Ile5914Val (NM_001374722.1); c.16780A>G, p.Ile5594Val (NM_001374729.1); c.10522A>G, p.Ile3508Val (NM_001374730.1); c.17767A>G, p.Ile5923Val (NM_001374734.1); c.10849A>G, p.Ile3617Val (NM_001386100.1, NM_183380.4); c.9871A>G, p.Ile3291Val (NM_015548.5); short protein forms I3508V, I3291V, I3617V, I3795V, I3657V, I5594V, I5923V, I5914V.
Identifiers: ClinVar variation 2134499 (VCV002134499.3), dbSNP rs1160682668, ClinGen allele CA364506421.
Genomic context (GRCh38, chr6:56,527,675, plus strand): 5'-GCCTTGCAAGCTGCAGCGCCTGTTCCAGAGTCTTGGCCACATCAGTGCTCAGTTTAGTAA[T>C]GTCTTTGTACCTTGCTTTAATGGCTTCCAATTTATCTTGAATTATTAAAACTTCATCACC-3'
Protein context (NP_001361665.1, residues 5904-5924): LEAIKARYKD[Ile5914Val]TKLSTDVAKT

ClinVar aggregate classification (germline): Uncertain significance (1 of 4 stars; one submission).

Conditions:
Hereditary sensory and autonomic neuropathy type 6. Also called: Neuropathy, hereditary sensory and autonomic, type VI; HSAN VI. Identifiers: Orphanet 314381, MedGen C3539003, MONDO:0013839, OMIM 614653.
Epidermolysis bullosa simplex 3, localized or generalized intermediate, with BP230 deficiency (EBS3). Also called: Epidermolysis bullosa simplex due to BP230 deficiency; Epidermolysis bullosa simplex, autosomal recessive 2. Identifiers: Orphanet 412181, MedGen C3809470, MONDO:0014180, OMIM 615425.

Allele frequency attached by ClinVar (database versions not stated): gnomAD exomes below 0.00001.
gnomAD v4.1: 4 of 1,613,700 alleles (0.00025%); highest among the groups gnomAD compares: Admixed American, 0.0033%; no homozygotes.

Submission:

Labcorp Genetics (formerly Invitae), Labcorp
Classification: Uncertain significance for Epidermolysis bullosa simplex 3, localized or generalized intermediate, with BP230 deficiency; Hereditary sensory and autonomic neuropathy type 6. Last evaluated: 2022-06-23. Review status: criteria provided, single submitter. Criteria: Invitae Variant Classification Sherloc (09022015). Collection method: clinical testing. Allele origin: germline.
Comment: The DST gene has multiple clinically relevant transcripts. This variant occurs in alternate transcript NM_015548.4, and corresponds to NM_001723.5:c.*87842A>G in the primary transcript. This sequence change replaces isoleucine, which is neutral and non-polar, with valine, which is neutral and non-polar, at codon 3291 of the DST protein (p.Ile3291Val). This variant is present in population databases (no rsID available, gnomAD 0.006%). This variant has not been reported in the literature in individuals affected with DST-related conditions. Experimental studies and prediction algorithms are not available or were not evaluated, and the functional significance of this variant is currently unknown. In summary, the available evidence is currently insufficient to determine the role of this variant in disease. Therefore, it has been classified as a Variant of Uncertain Significance.